The following is an entry in ClinVar:

NM_183050.4(BCKDHB):c.998T>G (p.Leu333Trp)

Gene: BCKDHB (branched chain keto acid dehydrogenase E1 subunit beta; plus strand). Cytogenetic location: 6q14.1.
Variant type: single nucleotide variant.
Coding change: c.998T>G on transcript NM_183050.4 (MANE Select); coding-DNA position 998, T replaced by G.
Protein change: p.Leu333Trp; replaces leucine 333 with tryptophan.
Molecular consequence: missense variant. On other transcripts: non-coding transcript variant (6).
Genome position (GRCh38, 1-based): chr6:80,273,181, T>G. VCF-style: chr6-80273181-T-G. GRCh37 (hg19) VCF-style: chr6-80982898-T-G.
Other names: c.998T>G, p.Leu333Trp (NM_001424041.1, NM_000056.5, NM_001424035.1 and 5 more transcripts); c.788T>G, p.Leu263Trp (NM_001424043.1, NM_001318975.1); short protein forms L263W, L333W.
Identifiers: ClinVar variation 3342026 (VCV003342026.16).
Genomic context (GRCh38, chr6:80,273,181, plus strand): 5'-CTTTTCTCTTTCAGTCTGTGATCAAAACAGGGCGACTGCTAATCAGTCACGAGGCTCCCT[T>G]GACAGGCGGCTTTGCATCGGAAATCAGCTCTACAGTTCAGGTAGAGTAATTTTTGGAACT-3'
Protein context (NP_898871.1, residues 323-343): GRLLISHEAP[Leu333Trp]TGGFASEISS

ClinVar aggregate classification (germline): Likely pathogenic (1 of 4 stars; one submission).

gnomAD v4.1: 1 of 1,613,632 alleles (0.000062%); highest among the groups gnomAD compares: Non-Finnish European, 0.000085%; no homozygotes.

Submission:

CeGaT Center for Human Genetics Tuebingen
Classification: Likely pathogenic. Last evaluated: 2024-07-01. Review status: criteria provided, single submitter. Criteria: CeGaT Center For Human Genetics Tuebingen Variant Classification Criteria Version 2. Collection method: clinical testing. Allele origin: germline. Affected: yes. Observed: 1 variant allele.
Comment: BCKDHB: PM1, PM2, PM3, PP4:Moderate, PP3